The following is an entry in ClinVar:

NM_174934.4(SCN4B):c.463C>T (p.Leu155=)

Genes: SCN4B (sodium voltage-gated channel beta subunit 4; minus strand), LOC126861356 (BRD4-independent group 4 enhancer GRCh37_chr11:118014519-118015718; plus strand). Cytogenetic location: 11q23.3.
Variant type: single nucleotide variant.
Coding change: c.463C>T on transcript NM_174934.4 (MANE Select); coding-DNA position 463, C replaced by T.
Protein change: p.Leu155=; no amino-acid change (leucine 155 retained).
Molecular consequence: synonymous variant. On other transcripts: intron variant (1).
Genome position (GRCh38, 1-based): chr11:118,143,833, G>A on the plus strand (C>T on the coding strand, the complement: SCN4B is on the minus strand). VCF-style: chr11-118143833-G-A. GRCh37 (hg19) VCF-style: chr11-118014548-G-A.
Other names: c.133C>T, p.Leu45= (NM_001142349.2); c.62-2497C>T (NM_001142348.2).
Identifiers: ClinVar variation 1365345 (VCV001365345.8), dbSNP rs761173704, ClinGen allele CA229488486.
Genomic context (GRCh38, chr11:118,143,833, plus strand): 5'-AGTTGGGTGCCTCCCAAGTCCTTCCCACGCCACTGCCCTGTGCCAGCCCCTACTGCATAC[G>A]TCTATCAACGACTTGGAGGAAGATGGTGGCGTGGTGCTGGAGATTATTCTCCTTGGGGTT-3'
Protein context (NP_777594.1, residues 145-165): ATIFLQVVDR[Leu155=]EEVDNTVTLI

ClinVar aggregate classification (germline): Conflicting classifications of pathogenicity. Review status: criteria provided, conflicting classifications (1 of 4 stars). 2 submissions from 2 submitters: Uncertain significance (1); Likely benign (1). Last evaluated 2025-10-21.

Conditions:
Cardiovascular phenotype. Identifiers: MedGen CN230736.
Long QT syndrome 10 (LQT10). Identifiers: Orphanet 101016, Orphanet 768, MedGen C2678484, MONDO:0012737, OMIM 611819.

Allele frequency attached by ClinVar (database versions not stated): gnomAD 0.00002; gnomAD exomes below 0.00001.
gnomAD v4.1: 23 of 1,609,952 alleles (0.0014%); highest among the groups gnomAD compares: African/African-American, 0.004%; no homozygotes.

Submissions (2):

Labcorp Genetics (formerly Invitae), Labcorp
Classification: Uncertain significance for Long QT syndrome 10. Last evaluated: 2025-10-21. Review status: criteria provided, single submitter. Criteria: Invitae Variant Classification Sherloc (09022015). Collection method: clinical testing. Allele origin: germline.
Comment: This sequence change affects codon 155 of the SCN4B mRNA. It is a 'silent' change, meaning that it does not change the encoded amino acid sequence of the SCN4B protein. It affects a nucleotide within the consensus splice site. This variant is present in population databases (rs761173704, gnomAD 0.008%). This variant has not been reported in the literature in individuals affected with SCN4B-related conditions. ClinVar contains an entry for this variant (Variation ID: 1365345). Algorithms developed to predict the effect of sequence changes on RNA splicing suggest that this variant is not likely to affect RNA splicing. In summary, the available evidence is currently insufficient to determine the role of this variant in disease. Therefore, it has been classified as a Variant of Uncertain Significance.

Ambry Genetics
Classification: Likely benign for Cardiovascular phenotype. Last evaluated: 2019-10-08. Review status: criteria provided, single submitter. Criteria: Ambry Variant Classification Scheme 2023. Collection method: clinical testing. Allele origin: germline.